The following is an entry in ClinVar:

NM_014140.4(SMARCAL1):c.2425G>A (p.Gly809Arg)

Gene: SMARCAL1 (SNF2 related chromatin remodeling annealing helicase 1; plus strand). Cytogenetic location: 2q35.
Variant type: single nucleotide variant.
Coding change: c.2425G>A on transcript NM_014140.4 (MANE Select); coding-DNA position 2425, G replaced by A.
Protein change: p.Gly809Arg; replaces glycine 809 with arginine.
Molecular consequence: missense variant.
Genome position (GRCh38, 1-based): chr2:216,475,449, G>A. VCF-style: chr2-216475449-G-A. GRCh37 (hg19) VCF-style: chr2-217340172-G-A.
Other names: c.2425G>A, p.Gly809Arg (NM_001127207.2); short protein forms G809R.
Identifiers: ClinVar variation 857408 (VCV000857408.10), dbSNP rs1695052762, ClinGen allele CA350504542.
Genomic context (GRCh38, chr2:216,475,449, plus strand): 5'-ATGGGCCTCACCTTCTCCTCGGCTGACCTGGTGGTGTTTGCTGAGCTGTTTTGGAACCCA[G>A]GGGTAAGAGACGCAGAAGACTCAGATACTCCCCAGGCATGCTCATGGCTGTGGGCAGGAA-3'
Protein context (NP_054859.2, residues 799-819): VVFAELFWNP[Gly809Arg]VLIQAEDRVH

ClinVar aggregate classification (germline): Uncertain significance. Review status: criteria provided, multiple submitters, no conflicts (2 of 4 stars). 2 submissions from 2 submitters: Uncertain significance (2). Last evaluated 2025-02-21.

Conditions:
Schimke immuno-osseous dysplasia (SIOD). Also called: Schimke Immunoosseous Dysplasia. Identifiers: Orphanet 1830, MedGen C0877024, MONDO:0009458, OMIM 242900.

Allele frequency attached by ClinVar (database versions not stated): gnomAD exomes below 0.00001.
gnomAD v4.1: 2 of 1,614,150 alleles (0.00012%); highest among the groups gnomAD compares: Non-Finnish European, 0.00017%; no homozygotes.

Submissions (2):

Women's Health and Genetics/Laboratory Corporation of America, LabCorp
Classification: Uncertain significance. Last evaluated: 2025-02-21. Review status: criteria provided, single submitter. Criteria: LabCorp Variant Classification Summary - May 2015. Collection method: clinical testing. Allele origin: germline.
Comment: Variant summary: SMARCAL1 c.2425G>A (p.Gly809Arg) results in a non-conservative amino acid change located in the Superfamilies 1 and 2 helicase C-terminal domain profile (IPR001650) of the encoded protein sequence. Five of five in-silico tools predict a damaging effect of the variant on protein function. Consensus agreement among computation tools predict no significant impact on normal splicing. However, these predictions have yet to be confirmed by functional studies. The variant was absent in 251442 control chromosomes. The available data on variant occurrences in the general population are insufficient to allow any conclusion about variant significance. c.2425G>A has been reported in the literature in individuals affected with Schimke Immunoosseous Dysplasia (Lipska-Zietkiewicz_2017). These report(s) do not provide unequivocal conclusions about association of the variant with Schimke Immunoosseous Dysplasia. To our knowledge, no experimental evidence demonstrating an impact on protein function has been reported. The following publication have been ascertained in the context of this evaluation (PMID: 28796785). ClinVar contains an entry for this variant (Variation ID: 857408). Based on the evidence outlined above, the variant was classified as uncertain significance.

Labcorp Genetics (formerly Invitae), Labcorp
Classification: Uncertain significance for Schimke immuno-osseous dysplasia. Last evaluated: 2019-12-30. Review status: criteria provided, single submitter. Criteria: Invitae Variant Classification Sherloc (09022015). Collection method: clinical testing. Allele origin: germline.
Comment: In summary, the available evidence is currently insufficient to determine the role of this variant in disease. Therefore, it has been classified as a Variant of Uncertain Significance. Algorithms developed to predict the effect of missense changes on protein structure and function are either unavailable or do not agree on the potential impact of this missense change (SIFT: "Tolerated"; PolyPhen-2: "Probably Damaging"; Align-GVGD: "Class C0"). This variant has been observed in individual(s) with Schimke immunoosseous dysplasia (PMID: 28796785). This variant is not present in population databases (ExAC no frequency). This sequence change replaces glycine with arginine at codon 809 of the SMARCAL1 protein (p.Gly809Arg). The glycine residue is moderately conserved and there is a moderate physicochemical difference between glycine and arginine.

Literature cited by the submitters: PubMed 28796785 (cited by Women's Health and Genetics/Laboratory Corporation of America, LabCorp and Labcorp Genetics (formerly Invitae), Labcorp).